The following is an entry in ClinVar:

ClinVar aggregate classification (germline): Uncertain significance (1 of 4 stars; one submission).

Submission:

Labcorp Genetics (formerly Invitae), Labcorp
Classification: Uncertain significance. Last evaluated: 2024-02-20. Review status: criteria provided, single submitter. Criteria: Invitae Variant Classification Sherloc (09022015). Collection method: clinical testing. Allele origin: germline.
Comment: This sequence change replaces glutamine, which is neutral and polar, with arginine, which is basic and polar, at codon 544 of the H6PD protein (p.Gln544Arg). This variant is not present in population databases (gnomAD no frequency). This variant has not been reported in the literature in individuals affected with H6PD-related conditions. Advanced modeling of protein sequence and biophysical properties (such as structural, functional, and spatial information, amino acid conservation, physicochemical variation, residue mobility, and thermodynamic stability) performed at Invitae indicates that this missense variant is not expected to disrupt H6PD protein function with a negative predictive value of 80%. In summary, the available evidence is currently insufficient to determine the role of this variant in disease. Therefore, it has been classified as a Variant of Uncertain Significance.

NM_004285.4(H6PD):c.1631A>G (p.Gln544Arg)

Gene: H6PD (hexose-6-phosphate dehydrogenase/glucose 1-dehydrogenase; plus strand). Cytogenetic location: 1p36.22.
Variant type: single nucleotide variant.
Coding change: c.1631A>G on transcript NM_004285.4 (MANE Select); coding-DNA position 1631, A replaced by G.
Protein change: p.Gln544Arg; replaces glutamine 544 with arginine.
Molecular consequence: missense variant.
Genome position (GRCh38, 1-based): chr1:9,264,124, A>G. VCF-style: chr1-9264124-A-G. GRCh37 (hg19) VCF-style: chr1-9324183-A-G.
Other names: c.1664A>G, p.Gln555Arg (NM_001282587.2); short protein forms Q544R, Q555R.
Identifiers: ClinVar variation 3697157 (VCV003697157.2).
Genomic context (GRCh38, chr1:9,264,124, plus strand): 5'-AGCAGCAGCCGGAGCAGCTGGTGCCAGGGCCAGGGCCGGCCCCAATGCCCAGTGACTTCC[A>G]GGTCCTCAGGGCCAAGTACCGAGAGAGCCCGCTGGTCTCCGCCTGGTCCGAGGAGCTGAT-3'
Protein context (NP_004276.2, residues 534-554): PGPAPMPSDF[Gln544Arg]VLRAKYRESP